The following is an entry in ClinVar:

NM_007118.4(TRIO):c.7405G>T (p.Gly2469Cys)

Gene: TRIO (trio Rho guanine nucleotide exchange factor; plus strand). Cytogenetic location: 5p15.2.
Variant type: single nucleotide variant.
Coding change: c.7405G>T on transcript NM_007118.4 (MANE Select); coding-DNA position 7405, G replaced by T.
Protein change: p.Gly2469Cys; replaces glycine 2469 with cysteine.
Molecular consequence: missense variant.
Genome position (GRCh38, 1-based): chr5:14,488,033, G>T. VCF-style: chr5-14488033-G-T. GRCh37 (hg19) VCF-style: chr5-14488142-G-T.
Other names: short protein forms G2469C.
Identifiers: ClinVar variation 2444681 (VCV002444681.1), dbSNP rs750105964, ClinGen allele CA359237396.

ClinVar aggregate classification (germline): Uncertain significance (1 of 4 stars; one submission).

gnomAD v4.1: 1 of 1,604,020 alleles (0.000062%); highest among the groups gnomAD compares: Non-Finnish European, 0.000085%; no homozygotes.

Submission:

GeneDx
Classification: Uncertain significance. Last evaluated: 2022-09-14. Review status: criteria provided, single submitter. Criteria: GeneDx Variant Classification Process June 2021. Collection method: clinical testing. Allele origin: germline. Affected: yes.
Comment: Not observed at significant frequency in large population cohorts (gnomAD); In silico analysis supports that this missense variant does not alter protein structure/function; Has not been previously published as pathogenic or benign to our knowledge